The following is an entry in ClinVar:

ClinVar aggregate classification (germline): Conflicting classifications of pathogenicity. Review status: criteria provided, conflicting classifications (1 of 4 stars). 2 submissions from 2 submitters: Uncertain significance (1); Likely benign (1). Last evaluated 2026-03-01.

Conditions:
Inborn genetic diseases. Identifiers: MedGen C0950123, MeSH D030342.

Allele frequency attached by ClinVar (database versions not stated): ExAC 0.00001; gnomAD 0.00002; TOPMed 0.00002.
gnomAD v4.1: 4 of 1,564,742 alleles (0.00026%); highest among the groups gnomAD compares: African/African-American, 0.0041%; no homozygotes.

Submissions (2):

CeGaT Center for Human Genetics Tuebingen
Classification: Likely benign. Last evaluated: 2026-03-01. Review status: criteria provided, single submitter. Criteria: CeGaT Center For Human Genetics Tuebingen Variant Classification Criteria Version 2. Collection method: clinical testing. Allele origin: germline. Affected: yes. Observed: 1 variant allele.
Comment: MAST1: BS2

Ambry Genetics
Classification: Uncertain significance for Inborn genetic diseases. Last evaluated: 2025-09-10. Review status: criteria provided, single submitter. Criteria: Ambry Variant Classification Scheme 2023. Collection method: clinical testing. Allele origin: germline.

NM_014975.3(MAST1):c.2540C>A (p.Thr847Asn)

Gene: MAST1 (microtubule associated serine/threonine kinase 1; plus strand). Cytogenetic location: 19p13.13.
Variant type: single nucleotide variant.
Coding change: c.2540C>A on transcript NM_014975.3 (MANE Select); coding-DNA position 2540, C replaced by A.
Protein change: p.Thr847Asn; replaces threonine 847 with asparagine.
Molecular consequence: missense variant.
Genome position (GRCh38, 1-based): chr19:12,867,951, C>A. VCF-style: chr19-12867951-C-A. GRCh37 (hg19) VCF-style: chr19-12978765-C-A.
Other names: short protein forms T847N.
Identifiers: ClinVar variation 2604671 (VCV002604671.7), dbSNP rs753766566, ClinGen allele CA9233168.